The following is an entry in ClinVar:

NM_004333.6(BRAF):c.647G>C (p.Trp216Ser)

Gene: BRAF (B-Raf proto-oncogene, serine/threonine kinase; minus strand). Cytogenetic location: 7q34.
Variant type: single nucleotide variant.
Coding change: c.647G>C on transcript NM_004333.6 (MANE Select); coding-DNA position 647, G replaced by C.
Protein change: p.Trp216Ser; replaces tryptophan 216 with serine.
Molecular consequence: missense variant.
Genome position (GRCh38, 1-based): chr7:140,808,024, C>G on the plus strand (G>C on the coding strand, the complement: BRAF is on the minus strand). VCF-style: chr7-140808024-C-G. GRCh37 (hg19) VCF-style: chr7-140507824-C-G.
Other names: c.647G>C, p.Trp216Ser (NM_001354609.2, NM_001374244.1, NM_001374258.1 and 4 more transcripts); c.656G>C, p.Trp219Ser (NM_001378467.1); c.545G>C, p.Trp182Ser (NM_001378470.1); c.491G>C, p.Trp164Ser (NM_001378472.1, NM_001378473.1); c.383G>C, p.Trp128Ser (NM_001378475.1); short protein forms W164S, W182S, W128S, W216S, W219S.
Identifiers: ClinVar variation 2745449 (VCV002745449.4), dbSNP rs1803834376, ClinGen allele CA369591172.

ClinVar aggregate classification (germline): Uncertain significance. Review status: criteria provided, multiple submitters, no conflicts (2 of 4 stars). 2 submissions from 2 submitters: Uncertain significance (2). Last evaluated 2025-12-16.

Conditions:
RASopathy. Also called: rasopathies; Noonan spectrum disorder. Identifiers: Orphanet 536391, MedGen C5555857, MONDO:0021060.
Cardiovascular phenotype. Identifiers: MedGen CN230736.

Submissions (2):

Ambry Genetics
Classification: Uncertain significance for Cardiovascular phenotype. Last evaluated: 2025-12-16. Review status: criteria provided, single submitter. Criteria: Ambry Variant Classification Scheme 2023. Collection method: clinical testing. Allele origin: germline.
Comment: The p.W216S variant (also known as c.647G>C), located in coding exon 5 of the BRAF gene, results from a G to C substitution at nucleotide position 647. The tryptophan at codon 216 is replaced by serine, an amino acid with highly dissimilar properties. This amino acid position is conserved. In addition, this alteration is predicted to be tolerated by in silico analysis. Based on the available evidence, the clinical significance of this variant remains unclear.

Labcorp Genetics (formerly Invitae), Labcorp
Classification: Uncertain significance for RASopathy. Last evaluated: 2023-07-20. Review status: criteria provided, single submitter. Criteria: Invitae Variant Classification Sherloc (09022015). Collection method: clinical testing. Allele origin: germline.
Comment: In summary, the available evidence is currently insufficient to determine the role of this variant in disease. Therefore, it has been classified as a Variant of Uncertain Significance. Advanced modeling of protein sequence and biophysical properties (such as structural, functional, and spatial information, amino acid conservation, physicochemical variation, residue mobility, and thermodynamic stability) performed at Invitae indicates that this missense variant is not expected to disrupt BRAF protein function. This variant has not been reported in the literature in individuals affected with BRAF-related conditions. This variant is not present in population databases (gnomAD no frequency). This sequence change replaces tryptophan, which is neutral and slightly polar, with serine, which is neutral and polar, at codon 216 of the BRAF protein (p.Trp216Ser).